The following is an entry in ClinVar:

NM_001365276.2(TNXB):c.7897G>T (p.Glu2633Ter)

Gene: TNXB (tenascin XB; minus strand). Cytogenetic location: 6p21.33.
Variant type: single nucleotide variant.
Coding change: c.7897G>T on transcript NM_001365276.2 (MANE Select); coding-DNA position 7897, G replaced by T.
Protein change: p.Glu2633Ter; replaces glutamic acid 2633 with a stop codon.
Molecular consequence: nonsense.
Genome position (GRCh38, 1-based): chr6:32,056,832, C>A on the plus strand (G>T on the coding strand, the complement: TNXB is on the minus strand). VCF-style: chr6-32056832-C-A. GRCh37 (hg19) VCF-style: chr6-32024609-C-A.
Other names: c.8638G>T, p.Glu2880Ter (NM_001428335.1); c.7897G>T, p.Glu2633Ter (NM_019105.8); short protein forms E2633*, E2880*.
Identifiers: ClinVar variation 5016048 (VCV005016048.1).

ClinVar aggregate classification (germline): Pathogenic (1 of 4 stars; one submission).

Conditions:
Ehlers-Danlos syndrome due to tenascin-X deficiency (EDSCLL1). Also called: EDS DUE TO TNX DEFICIENCY; TNX DEFICIENCY; Ehlers-Danlos syndrome, classic-like, 1; EHLERS-DANLOS SYNDROME, CLASSIC-LIKE; TNXB-Related Classical-Like Ehlers-Danlos Syndrome. Identifiers: Orphanet 230839, MedGen C1848029, MONDO:0011670, OMIM 606408.

Submission:

Myriad Genetics, Inc.
Classification: Pathogenic for Ehlers-Danlos syndrome due to tenascin-X deficiency. Last evaluated: 2026-06-17. Review status: criteria provided, single submitter. Criteria: Myriad Autosomal Dominant, Autosomal Recessive and X-Linked Classification Criteria (2023). Collection method: clinical testing. Allele origin: unknown.
Comment: NM_019105.6(TNXB):c.7897G>T(E2633*) is expected to be pathogenic in the context of classical-like Ehlers-Danlos syndrome, TNXB-related. This variant is predicted to lead to an abnormal or absent protein product due to the creation of a premature termination codon in TNXB, a gene where loss-of-function variants are known to be pathogenic. Please note: this variant was assessed in the context of healthy population screening.